The following is an entry in ClinVar:

ClinVar aggregate classification (germline): Conflicting classifications of pathogenicity. Review status: criteria provided, conflicting classifications (1 of 4 stars). 4 submissions from 4 submitters: Uncertain significance (3); Likely benign (1). Last evaluated 2025-12-15.

Conditions:
Lymphatic malformation 7 (LMPHM7). Also called: Hydrops fetalis, nonimmune, and/or atrial septal defect, susceptibility to. Identifiers: MedGen C4310629, MONDO:0015009, OMIM 617300.
Capillary malformation-arteriovenous malformation 2 (CMAVM2). Identifiers: Orphanet 693912, MedGen C4748670, MONDO:0020785, OMIM 618196.
Cardiovascular phenotype. Identifiers: MedGen CN230736.

Allele frequency attached by ClinVar (database versions not stated): ExAC 0.00001; gnomAD exomes 0.00001; TOPMed 0.00001.
gnomAD v4.1: 4 of 1,570,484 alleles (0.00025%); highest among the groups gnomAD compares: Admixed American, 0.0074%; no homozygotes.

Submissions (4):

Clinical Genomics Laboratory, Washington University in St. Louis
Classification: Uncertain significance for Capillary malformation-arteriovenous malformation 2; Lymphatic malformation 7. Last evaluated: 2025-12-15. Review status: criteria provided, single submitter. Criteria: ACMG Guidelines, 2015. Collection method: clinical testing. Allele origin: germline.
Comment: A EPHB4 c.1576A>G (p.Thr526Ala) variant was identified at a near heterozygous allelic fraction of 41.7%, a frequency which may be consistent with it being of germline origin. This variant, to our knowledge, has not been reported in the medical literature but has been reported in the ClinVar database as a germline variant of uncertain significance by two submitters and a germline likely benign variant by one submitter (ClinVar Variation ID: 1399139). This variant is only observed on 4/1,570,484 alleles in the general population (gnomAD v4.1.0), indicating it is not a common variant. Computational predictors are uncertain as to the impact of this variant on EPHB4 function. Due to limited information, and based on ACMG/AMP guidelines for variant interpretation (Richards S et al., PMID: 25741868), the clinical significance of this variant is uncertain at this time.

Labcorp Genetics (formerly Invitae), Labcorp
Classification: Uncertain significance. Last evaluated: 2025-08-24. Review status: criteria provided, single submitter. Criteria: Invitae Variant Classification Sherloc (09022015). Collection method: clinical testing. Allele origin: germline.
Comment: This sequence change replaces threonine, which is neutral and polar, with alanine, which is neutral and non-polar, at codon 526 of the EPHB4 protein (p.Thr526Ala). This variant is present in population databases (rs771353399, gnomAD 0.01%). This variant has not been reported in the literature in individuals affected with EPHB4-related conditions. ClinVar contains an entry for this variant (Variation ID: 1399139). Invitae Evidence Modeling of protein sequence and biophysical properties (such as structural, functional, and spatial information, amino acid conservation, physicochemical variation, residue mobility, and thermodynamic stability) indicates that this missense variant is not expected to disrupt EPHB4 protein function with a negative predictive value of 95%. In summary, the available evidence is currently insufficient to determine the role of this variant in disease. Therefore, it has been classified as a Variant of Uncertain Significance.

Ambry Genetics
Classification: Likely benign for Cardiovascular phenotype. Last evaluated: 2024-03-20. Review status: criteria provided, single submitter. Criteria: Ambry Variant Classification Scheme 2023. Collection method: clinical testing. Allele origin: germline.

ARUP Laboratories, Molecular Genetics and Genomics, ARUP Laboratories
Classification: Uncertain significance. Last evaluated: 2024-03-19. Review status: criteria provided, single submitter. Criteria: ARUP Molecular Germline Variant Investigation Process 2024. Collection method: clinical testing. Allele origin: germline.

Literature cited by the submitters: uncertain (cited by Clinical Genomics Laboratory, Washington University in St. Louis).

NM_004444.5(EPHB4):c.1576A>G (p.Thr526Ala)

Gene: EPHB4 (EPH receptor B4; minus strand). Cytogenetic location: 7q22.1.
Variant type: single nucleotide variant.
Coding change: c.1576A>G on transcript NM_004444.5 (MANE Select); coding-DNA position 1576, A replaced by G.
Protein change: p.Thr526Ala; replaces threonine 526 with alanine.
Molecular consequence: missense variant.
Genome position (GRCh38, 1-based): chr7:100,817,204, T>C on the plus strand (A>G on the coding strand, the complement: EPHB4 is on the minus strand). VCF-style: chr7-100817204-T-C. GRCh37 (hg19) VCF-style: chr7-100414826-T-C.
Other names: c.1576A>G (NM_004444.4); short protein forms T526A.
Identifiers: ClinVar variation 1399139 (VCV001399139.11), dbSNP rs771353399, ClinGen allele CA4392936.